The following is an entry in ClinVar:

ClinVar aggregate classification (germline): Uncertain significance (1 of 4 stars; one submission).

Conditions:
Joubert syndrome 23 (JBTS23). Identifiers: Orphanet 475, MedGen C4084822, MONDO:0014664, OMIM 616490.
Short-rib thoracic dysplasia 14 with polydactyly (SRTD14). Identifiers: Orphanet 397715, MedGen C4225286, MONDO:0014688, OMIM 616546.

Allele frequency attached by ClinVar (database versions not stated): gnomAD 0.00002; ExAC 0.00003; gnomAD exomes 0.00003.
gnomAD v4.1: 86 of 1,613,606 alleles (0.0053%); highest among the groups gnomAD compares: Non-Finnish European, 0.0071%; no homozygotes.

Submission:

Labcorp Genetics (formerly Invitae), Labcorp
Classification: Uncertain significance for Joubert syndrome 23; Short-rib thoracic dysplasia 14 with polydactyly. Last evaluated: 2024-04-05. Review status: criteria provided, single submitter. Criteria: Invitae Variant Classification Sherloc (09022015). Collection method: clinical testing. Allele origin: germline.
Comment: This sequence change replaces aspartic acid, which is acidic and polar, with asparagine, which is neutral and polar, at codon 1140 of the KIAA0586 protein (p.Asp1140Asn). This variant is present in population databases (rs780444812, gnomAD 0.006%). This variant has not been reported in the literature in individuals affected with KIAA0586-related conditions. ClinVar contains an entry for this variant (Variation ID: 1521228). Advanced modeling of protein sequence and biophysical properties (such as structural, functional, and spatial information, amino acid conservation, physicochemical variation, residue mobility, and thermodynamic stability) performed at Invitae indicates that this missense variant is not expected to disrupt KIAA0586 protein function with a negative predictive value of 80%. In summary, the available evidence is currently insufficient to determine the role of this variant in disease. Therefore, it has been classified as a Variant of Uncertain Significance.

NM_001329943.3(KIAA0586):c.3259G>A (p.Asp1087Asn)

Gene: KIAA0586 (KIAA0586; plus strand). Cytogenetic location: 14q23.1.
Variant type: single nucleotide variant.
Coding change: c.3259G>A on transcript NM_001329943.3 (MANE Select); coding-DNA position 3259, G replaced by A.
Protein change: p.Asp1087Asn; replaces aspartic acid 1087 with asparagine.
Molecular consequence: missense variant.
Genome position (GRCh38, 1-based): chr14:58,487,121, G>A. VCF-style: chr14-58487121-G-A. GRCh37 (hg19) VCF-style: chr14-58953839-G-A.
Other names: c.3418G>A, p.Asp1140Asn (NM_001244189.2); c.3214G>A, p.Asp1072Asn (NM_001244190.2); c.3004G>A, p.Asp1002Asn (NM_001244191.2, NM_001329945.2, NM_001364700.1 and 1 more transcripts); c.3127G>A, p.Asp1043Asn (NM_001244192.2); c.2839G>A, p.Asp947Asn (NM_001244193.2); c.3259G>A, p.Asp1087Asn (NM_001329944.2, NM_001329946.2, NM_001329947.2); c.3031G>A, p.Asp1011Asn (NM_014749.5); short protein forms D1002N, D1140N, D1011N, D1043N, D1072N, D1087N, D947N.
Identifiers: ClinVar variation 1521228 (VCV001521228.5), dbSNP rs780444812, ClinGen allele CA7206104.